The following is an entry in ClinVar:

ClinVar aggregate classification (germline): Uncertain significance. Review status: criteria provided, multiple submitters, no conflicts (2 of 4 stars). 4 submissions from 4 submitters: Uncertain significance (4). Last evaluated 2025-09-27.

Allele frequency attached by ClinVar (database versions not stated): ExAC 0.00004; ESP Exome Variant Server 0.00008; 1000 Genomes Project 30x 0.00047; 1000 Genomes Project 0.00060.
gnomAD v4.1: 44 of 1,614,142 alleles (0.0027%); highest among the groups gnomAD compares: Middle Eastern, 0.082%; no homozygotes.

Submissions (4):

Ambry Genetics
Classification: Uncertain significance. Last evaluated: 2025-09-27. Review status: criteria provided, single submitter. Criteria: Ambry Variant Classification Scheme 2023. Collection method: clinical testing. Allele origin: germline.

Labcorp Genetics (formerly Invitae), Labcorp
Classification: Uncertain significance. Last evaluated: 2022-01-11. Review status: criteria provided, single submitter. Criteria: Invitae Variant Classification Sherloc (09022015). Collection method: clinical testing. Allele origin: germline.
Comment: In summary, the available evidence is currently insufficient to determine the role of this variant in disease. Therefore, it has been classified as a Variant of Uncertain Significance. This sequence change replaces glycine, which is neutral and non-polar, with cysteine, which is neutral and slightly polar, at codon 369 of the STEAP3 protein (p.Gly369Cys). This variant is present in population databases (rs188660715, gnomAD 0.009%). This variant has not been reported in the literature in individuals affected with STEAP3-related conditions. Algorithms developed to predict the effect of missense changes on protein structure and function are either unavailable or do not agree on the potential impact of this missense change (SIFT: "Deleterious"; PolyPhen-2: "Probably Damaging"; Align-GVGD: "Class C0").

Laboratorio de Genetica e Diagnostico Molecular, Hospital Israelita Albert Einstein
Classification: Uncertain significance. Last evaluated: 2020-04-22. Review status: criteria provided, single submitter. Criteria: ACMG Guidelines, 2015. Collection method: clinical testing. Allele origin: germline. Affected: yes.
Comment: ACMG classification criteria: PM2, PP3, BP1

Breakthrough Genomics
Classification: Uncertain significance. Review status: criteria provided, single submitter. Criteria: ACMG Guidelines, 2015. Collection method: not provided. Allele origin: germline. Inheritance: Autosomal dominant inheritance. Affected: yes.

NM_182915.3(STEAP3):c.1135G>T (p.Gly379Cys)

Gene: STEAP3 (STEAP3 metalloreductase; plus strand). Cytogenetic location: 2q14.2.
Variant type: single nucleotide variant.
Coding change: c.1135G>T on transcript NM_182915.3 (MANE Select); coding-DNA position 1135, G replaced by T.
Protein change: p.Gly379Cys; replaces glycine 379 with cysteine.
Molecular consequence: missense variant.
Genome position (GRCh38, 1-based): chr2:119,254,768, G>T. VCF-style: chr2-119254768-G-T. GRCh37 (hg19) VCF-style: chr2-120012344-G-T.
Other names: c.1135G>T (NM_182915.2); c.1105G>T, p.Gly369Cys (NM_001008410.2, NM_018234.3, NM_138637.3); short protein forms G369C, G379C.
Identifiers: ClinVar variation 1690874 (VCV001690874.10), dbSNP rs188660715, ClinGen allele CA1846817.